The following is an entry in ClinVar:

NM_001276270.2(MBD4):c.62C>T (p.Thr21Ile)

Gene: MBD4 (methyl-CpG binding domain 4, DNA glycosylase; minus strand). Cytogenetic location: 3q21.3.
Variant type: single nucleotide variant.
Coding change: c.62C>T on transcript NM_001276270.2 (MANE Select); coding-DNA position 62, C replaced by T.
Protein change: p.Thr21Ile; replaces threonine 21 with isoleucine.
Molecular consequence: missense variant.
Genome position (GRCh38, 1-based): chr3:129,439,772, G>A on the plus strand (C>T on the coding strand, the complement: MBD4 is on the minus strand). VCF-style: chr3-129439772-G-A. GRCh37 (hg19) VCF-style: chr3-129158615-G-A.
Other names: c.62C>T, p.Thr21Ile (NM_001276271.2, NM_001276272.2, NM_001276273.2 and 1 more transcripts); short protein forms T21I.
Identifiers: ClinVar variation 4713334 (VCV004713334.2).

ClinVar aggregate classification (germline): Uncertain significance. Review status: criteria provided, multiple submitters, no conflicts (2 of 4 stars). 2 submissions from 2 submitters: Uncertain significance (2). Last evaluated 2026-02-15.

Conditions:
Inborn genetic diseases. Identifiers: MedGen C0950123, MeSH D030342.

Submissions (2):

Ambry Genetics
Classification: Uncertain significance for Inborn genetic diseases. Last evaluated: 2026-02-15. Review status: criteria provided, single submitter. Criteria: Ambry Variant Classification Scheme 2023. Collection method: clinical testing. Allele origin: germline.
Comment: The p.T21I variant (also known as c.62C>T), located in coding exon 1 of the MBD4 gene, results from a C to T substitution at nucleotide position 62. The threonine at codon 21 is replaced by isoleucine, an amino acid with similar properties. This amino acid position is conserved. In addition, this alteration is predicted to be tolerated by in silico analysis. Based on the available evidence, the clinical significance of this variant remains unclear.

Labcorp Genetics (formerly Invitae), Labcorp
Classification: Uncertain significance. Last evaluated: 2025-02-18. Review status: criteria provided, single submitter. Criteria: Invitae Variant Classification Sherloc (09022015). Collection method: clinical testing. Allele origin: germline.
Comment: This sequence change replaces threonine, which is neutral and polar, with isoleucine, which is neutral and non-polar, at codon 21 of the MBD4 protein (p.Thr21Ile). This variant is not present in population databases (gnomAD no frequency). This variant has not been reported in the literature in individuals affected with MBD4-related conditions. An algorithm developed to predict the effect of missense changes on protein structure and function outputs the following: PolyPhen-2: "Benign". The isoleucine amino acid residue is found in multiple mammalian species, which suggests that this missense change does not adversely affect protein function. In summary, the available evidence is currently insufficient to determine the role of this variant in disease. Therefore, it has been classified as a Variant of Uncertain Significance.